The following is an entry in ClinVar:

ClinVar aggregate classification (germline): Uncertain significance. Review status: criteria provided, multiple submitters, no conflicts (2 of 4 stars). 3 submissions from 3 submitters: Uncertain significance (3). Last evaluated 2024-12-15.

Conditions:
Aortic aneurysm, familial thoracic 7 (AAT7). Also called: AORTIC DISSECTION, FAMILIAL, WITH OR WITHOUT AORTIC ANEURYSM. Identifiers: MedGen C3151077, MONDO:0013418, OMIM 613780.
Megacystis-microcolon-intestinal hypoperistalsis syndrome 1. Identifiers: MedGen C5542316, MONDO:0100354, OMIM 249210.
Familial thoracic aortic aneurysm and aortic dissection (TAAD). Also called: Thoracic aortic aneurysms and dissections. Identifiers: Orphanet 91387, MedGen C4707243, MONDO:0019625.

Allele frequency attached by ClinVar (database versions not stated): gnomAD 0.00001 and 0.00002; ExAC 0.00002; gnomAD exomes 0.00002 and 0.00003; TOPMed 0.00002; ESP Exome Variant Server 0.00008.
gnomAD v4.1: 42 of 1,613,998 alleles (0.0026%); highest among the groups gnomAD compares: South Asian, 0.0066%; no homozygotes.

Submissions (3):

Labcorp Genetics (formerly Invitae), Labcorp
Classification: Uncertain significance for Aortic aneurysm, familial thoracic 7. Last evaluated: 2024-12-15. Review status: criteria provided, single submitter. Criteria: Invitae Variant Classification Sherloc (09022015). Collection method: clinical testing. Allele origin: germline.
Comment: This sequence change replaces arginine, which is basic and polar, with cysteine, which is neutral and slightly polar, at codon 1816 of the MYLK protein (p.Arg1816Cys). This variant is present in population databases (rs369511530, gnomAD 0.01%). This variant has not been reported in the literature in individuals affected with MYLK-related conditions. ClinVar contains an entry for this variant (Variation ID: 660173). Invitae Evidence Modeling of protein sequence and biophysical properties (such as structural, functional, and spatial information, amino acid conservation, physicochemical variation, residue mobility, and thermodynamic stability) indicates that this missense variant is not expected to disrupt MYLK protein function with a negative predictive value of 80%. In summary, the available evidence is currently insufficient to determine the role of this variant in disease. Therefore, it has been classified as a Variant of Uncertain Significance.

Ambry Genetics
Classification: Uncertain significance for Familial thoracic aortic aneurysm and aortic dissection. Last evaluated: 2023-03-24. Review status: criteria provided, single submitter. Criteria: Ambry Variant Classification Scheme 2023. Collection method: clinical testing. Allele origin: germline.
Comment: The p.R1816C variant (also known as c.5446C>T), located in coding exon 30 of the MYLK gene, results from a C to T substitution at nucleotide position 5446. The arginine at codon 1816 is replaced by cysteine, an amino acid with highly dissimilar properties. This amino acid position is not well conserved in available vertebrate species. In addition, the in silico prediction for this alteration is inconclusive. Since supporting evidence is limited at this time, the clinical significance of this alteration remains unclear.

Fulgent Genetics
Classification: Uncertain significance for Megacystis-microcolon-intestinal hypoperistalsis syndrome 1; Aortic aneurysm, familial thoracic 7. Last evaluated: 2021-11-09. Review status: criteria provided, single submitter. Criteria: ACMG Guidelines, 2015. Collection method: clinical testing. Allele origin: unknown.

NM_053025.4(MYLK):c.5446C>T (p.Arg1816Cys)

Genes: MYLK-AS1 (MYLK antisense RNA 1; plus strand), MYLK (myosin light chain kinase; minus strand). Cytogenetic location: 3q21.1.
Variant type: single nucleotide variant.
Coding change: c.5446C>T on transcript NM_053025.4 (MANE Select); coding-DNA position 5446, C replaced by T.
Protein change: p.Arg1816Cys; replaces arginine 1816 with cysteine.
Molecular consequence: missense variant.
Genome position (GRCh38, 1-based): chr3:123,618,693, G>A on the plus strand (C>T on the coding strand, the complement: MYLK is on the minus strand). VCF-style: chr3-123618693-G-A. GRCh37 (hg19) VCF-style: chr3-123337540-G-A.
Other names: c.4918C>T, p.Arg1640Cys (NM_001321309.2); c.5239C>T, p.Arg1747Cys (NM_053026.4); c.5293C>T, p.Arg1765Cys (NM_053027.4); c.5086C>T, p.Arg1696Cys (NM_053028.4); c.163C>T, p.Arg55Cys (NM_053031.4); c.166C>T, p.Arg56Cys (NM_053032.4); short protein forms R1640C, R1765C, R1816C, R55C, R56C, R1696C, R1747C.
Identifiers: ClinVar variation 660173 (VCV000660173.11), dbSNP rs369511530, ClinGen allele CA072980.